The following is an entry in ClinVar:

ClinVar aggregate classification (germline): Uncertain significance (1 of 4 stars; one submission).

Allele frequency attached by ClinVar (database versions not stated): gnomAD exomes below 0.00001.
gnomAD v4.1: 1 of 1,590,638 alleles (0.000063%); highest among the groups gnomAD compares: Middle Eastern, 0.017%; no homozygotes.

Submission:

Labcorp Genetics (formerly Invitae), Labcorp
Classification: Uncertain significance. Last evaluated: 2024-02-23. Review status: criteria provided, single submitter. Criteria: Invitae Variant Classification Sherloc (09022015). Collection method: clinical testing. Allele origin: germline.
Comment: This sequence change replaces serine, which is neutral and polar, with phenylalanine, which is neutral and non-polar, at codon 1078 of the PTPN23 protein (p.Ser1078Phe). This variant is not present in population databases (gnomAD no frequency). This variant has not been reported in the literature in individuals affected with PTPN23-related conditions. ClinVar contains an entry for this variant (Variation ID: 2048644). An algorithm developed to predict the effect of missense changes on protein structure and function (PolyPhen-2) suggests that this variant is likely to be tolerated. In summary, the available evidence is currently insufficient to determine the role of this variant in disease. Therefore, it has been classified as a Variant of Uncertain Significance.

NM_015466.4(PTPN23):c.3233C>T (p.Ser1078Phe)

Gene: PTPN23 (protein tyrosine phosphatase non-receptor type 23; plus strand). Cytogenetic location: 3p21.31.
Variant type: single nucleotide variant.
Coding change: c.3233C>T on transcript NM_015466.4 (MANE Select); coding-DNA position 3233, C replaced by T.
Protein change: p.Ser1078Phe; replaces serine 1078 with phenylalanine.
Molecular consequence: missense variant.
Genome position (GRCh38, 1-based): chr3:47,411,031, C>T. VCF-style: chr3-47411031-C-T. GRCh37 (hg19) VCF-style: chr3-47452521-C-T.
Other names: c.2855C>T, p.Ser952Phe (NM_001304482.2); short protein forms S1078F, S952F.
Identifiers: ClinVar variation 2048644 (VCV002048644.4), dbSNP rs1439163687, ClinGen allele CA352561399.